The following is an entry in ClinVar:

ClinVar aggregate classification (germline): Conflicting classifications of pathogenicity. Review status: criteria provided, conflicting classifications (1 of 4 stars). 3 submissions from 3 submitters: Pathogenic (1); Uncertain significance (1). 1 of the submissions does not count toward it. Last evaluated 2025-08-01.

Conditions:
Familial long QT syndrome (RWS). Also called: Congenital long QT syndrome; Romano-Ward syndrome; VENTRICULAR FIBRILLATION WITH PROLONGED QT INTERVAL. Identifiers: Orphanet 768, MedGen C1141890, MONDO:0019171.
Long QT syndrome (LQTS). Identifiers: MedGen C0023976, MeSH D008133, MONDO:0002442. Disease mechanism: loss of function. Inheritance: Various modes of inheritance.

Allele frequency attached by ClinVar (database versions not stated): ExAC 0.00001; gnomAD exomes below 0.00001.
gnomAD v4.1: 2 of 1,614,110 alleles (0.00012%); highest among the groups gnomAD compares: South Asian, 0.0022%; no homozygotes.

Submissions (3):

Labcorp Genetics (formerly Invitae), Labcorp
Classification: Uncertain significance for Long QT syndrome. Last evaluated: 2025-08-01. Review status: criteria provided, single submitter. Criteria: Invitae Variant Classification Sherloc (09022015). Collection method: clinical testing. Allele origin: germline.
Comment: This sequence change replaces leucine, which is neutral and non-polar, with phenylalanine, which is neutral and non-polar, at codon 137 of the KCNQ1 protein (p.Leu137Phe). This variant is present in population databases (rs199473450, gnomAD 0.003%). This missense change has been observed in individual(s) with longQT syndrome (PMID: 16414944, 34505893). ClinVar contains an entry for this variant (Variation ID: 53042). Invitae Evidence Modeling of protein sequence and biophysical properties (such as structural, functional, and spatial information, amino acid conservation, physicochemical variation, residue mobility, and thermodynamic stability) has been performed for this missense variant. However, the output from this modeling did not meet the statistical confidence thresholds required to predict the impact of this variant on KCNQ1 protein function. In summary, the available evidence is currently insufficient to determine the role of this variant in disease. Therefore, it has been classified as a Variant of Uncertain Significance.

GeneDx
Classification: Pathogenic. Last evaluated: 2014-08-19. Review status: criteria provided, single submitter. Criteria: GeneDx Variant Classification (06012015). Collection method: clinical testing. Allele origin: germline. Affected: yes.
Comment: p.Leu137Phe (CTC>TTC): c.409 C>T in exon 2 of the KCNQ1 gene (NM_000218.2). The L137F mutation in the KCNQ1 gene has been previously reported in association with LQTS and Jervell and Lange-Nielsen (JLN) syndrome (Napolitano et al., 2005; Guda P et al., 2007). L137F was identified as a novel mutation and was absent from 800 control chromosomes (Napolitano et al., 2005). Furthermore, the L137F mutation was not observed inapproximately 6,500 individuals of European and African American ancestry in the NHLBI Exome Sequencing Project, indicating it is not a common benign variant in these populations. Although L137F results in a conservative amino acid substitution of one non-polar amino acid for another, the L137 residue is conserved across species. This residue is predicted to be buried in the S1 transmembrane segment of the voltage sensing domain of the KVLQT1 channel, and alteration of this spatially constrained residue is predicted to result in destabilization of the transmembrane alpha-helix (Jackson and Accili, 2008; Oberai A et al. 2009). Other mutations in nearby residues (V133I, L134P, C136F, T144A, E146K) have been reported in association with LQTS, further supporting the functional importance of this residue and region of the protein. In summary, L137F in the KCNQ1 gene is interpreted as a disease-causing mutation. The variant is found in LQT panel(s).

Cardiovascular Biomedical Research Unit, Royal Brompton & Harefield NHS Foundation Trust
No classification provided. Condition: Familial long QT syndrome. Review status: no classification provided. Collection method: literature only. Allele origin: germline. Not counted in ClinVar's aggregate classification.
Comment: This variant has been reported as associated with Long QT syndrome in the following publications (PMID:16414944). This is a literature report, and does not necessarily reflect the clinical interpretation of the Imperial College / Royal Brompton Cardiovascular Genetics laboratory.

Literature cited by the submitters: PubMed 16414944 (cited by Labcorp Genetics (formerly Invitae), Labcorp and Cardiovascular Biomedical Research Unit, Royal Brompton & Harefield NHS Foundation Trust); PubMed 34505893 (cited by Labcorp Genetics (formerly Invitae), Labcorp); PubMed 22581653 (cited by Cardiovascular Biomedical Research Unit, Royal Brompton & Harefield NHS Foundation Trust).

NM_000218.3(KCNQ1):c.409C>T (p.Leu137Phe)

Gene: KCNQ1 (potassium voltage-gated channel subfamily Q member 1; plus strand). Cytogenetic location: 11p15.5.
Variant type: single nucleotide variant.
Coding change: c.409C>T on transcript NM_000218.3 (MANE Select); coding-DNA position 409, C replaced by T.
Protein change: p.Leu137Phe; replaces leucine 137 with phenylalanine.
Molecular consequence: missense variant.
Genome position (GRCh38, 1-based): chr11:2,527,950, C>T. VCF-style: chr11-2527950-C-T. GRCh37 (hg19) VCF-style: chr11-2549180-C-T.
Other names: p.L137F:CTC>TTC; c.409C>T (LRG_287t1); c.409C>T, p.Leu137Phe (NM_001406836.1, NM_001406838.1); c.139C>T, p.Leu47Phe (NM_001406837.1); c.28C>T, p.Leu10Phe (NM_181798.2); short protein forms L137F, L10F, L47F.
Identifiers: ClinVar variation 53042 (VCV000053042.8), dbSNP rs199473450, ClinGen allele CA007018.
Genomic context (GRCh38, chr11:2,527,950, plus strand): 5'-GAGGCCGTGATGCTGACTGCCGTGTCCCTGTCTTGCAGCTTCCTCATCGTCCTGGTCTGC[C>T]TCATCTTCAGCGTGCTGTCCACCATCGAGCAGTATGCCGCCCTGGCCACGGGGACTCTCT-3'
Protein context (NP_000209.2, residues 127-147): FAVFLIVLVC[Leu137Phe]IFSVLSTIEQ